The following is an entry in ClinVar:

NM_024513.4(FYCO1):c.*1173C>T

Gene: FYCO1 (FYVE and coiled-coil domain autophagy adaptor 1; minus strand). Cytogenetic location: 3p21.31.
Variant type: single nucleotide variant.
Coding change: c.*1173C>T on transcript NM_024513.4 (MANE Select); 1173 bases downstream of the stop codon, C replaced by T.
Molecular consequence: 3 prime UTR variant.
Genome position (GRCh38, 1-based): chr3:45,920,592, G>A on the plus strand (C>T on the coding strand, the complement: FYCO1 is on the minus strand). VCF-style: chr3-45920592-G-A. GRCh37 (hg19) VCF-style: chr3-45962084-G-A.
Identifiers: ClinVar variation 345474 (VCV000345474.5), dbSNP rs187327525, ClinGen allele CA10618917.

ClinVar aggregate classification (germline): Likely benign (1 of 4 stars; one submission).

Conditions:
Cataract 18 (CATC2). Also called: CATARACT 18, AUTOSOMAL RECESSIVE. Identifiers: Orphanet 91492, Orphanet 98991, Orphanet 98992, Orphanet 98995, MedGen C1864908, MONDO:0012395, OMIM 610019.

Allele frequency attached by ClinVar (database versions not stated): gnomAD 0.00154 and 0.00161; TOPMed 0.00177; 1000 Genomes Project 0.00200; 1000 Genomes Project 30x 0.00203.

Submission:

Illumina Laboratory Services, Illumina
Classification: Likely benign for Cataract 18. Last evaluated: 2018-01-13. Review status: criteria provided, single submitter. Criteria: ICSL Variant Classification Criteria 13 December 2019. Collection method: clinical testing. Allele origin: germline.
Comment: This variant was observed in the ICSL laboratory as part of a predisposition screen in an ostensibly healthy population. It had not been previously curated by ICSL or reported in the Human Gene Mutation Database (HGMD: prior to June 1st, 2018), and was therefore a candidate for classification through an automated scoring system. Utilizing variant allele frequency, disease prevalence and penetrance estimates, and inheritance mode, an automated score was calculated to assess if this variant is too frequent to cause the disease. Based on the score and internal cut-off values, a variant classified as likely benign is not then subjected to further curation. The score for this variant resulted in a classification of likely benign for this disease.